The following is an entry in ClinVar:

ClinVar aggregate classification (germline): Uncertain significance (1 of 4 stars; one submission).

Conditions:
Intellectual developmental disorder, X-linked 30. Also called: MENTAL RETARDATION, X-LINKED 47; Intellectual disability, X-linked 30. Identifiers: Orphanet 777, MedGen C0796237, MONDO:0010361, OMIM 300558.

Submission:

Neuberg Centre For Genomic Medicine, NCGM
Classification: Uncertain significance for Intellectual developmental disorder, X-linked 30. Last evaluated: 2023-05-20. Review status: criteria provided, single submitter. Criteria: ACMG Guidelines, 2015. Collection method: clinical testing. Allele origin: germline. Inheritance: X-linked recessive inheritance. Affected: yes.
Comment: The missense variant c.829G>T(p.Gly277Trp) in PAK3 gene has not been reported previously as a pathogenic variant nor as a benign variant, to our knowledge. The observed variant is absent in gnomAD exomes database. This variant has not been reported to the ClinVar database. Multiple lines of computational evidence (Polyphen - probably damaging , SIFT - damaging and MutationTaster - disease causing) predict a damaging effect on protein structure and function for this variant. The amino acid change p.Gly277Trp in PAK3 is predicted as conserved by GERP++ and PhyloP across 100 vertebrates. The amino acid Gly at position 277 is changed to a Trp changing protein sequence and it might alter its composition and physico-chemical properties. For these reasons, this variant has been classified as Uncertain Significance (VUS).

NM_002578.5(PAK3):c.829G>T (p.Gly277Trp)

Gene: PAK3 (p21 (RAC1) activated kinase 3; plus strand). Cytogenetic location: Xq23.
Variant type: single nucleotide variant.
Coding change: c.829G>T on transcript NM_002578.5 (MANE Select); coding-DNA position 829, G replaced by T.
Protein change: p.Gly277Trp; replaces glycine 277 with tryptophan.
Molecular consequence: missense variant. On other transcripts: non-coding transcript variant (2).
Genome position (GRCh38, 1-based): chrX:111,173,080, G>T. VCF-style: chrX-111173080-G-T. GRCh37 (hg19) VCF-style: chrX-110416308-G-T.
Other names: c.829G>T, p.Gly277Trp (NM_001128166.3, NM_001128167.3, NM_001324325.2 and 5 more transcripts); c.937G>T, p.Gly313Trp (NM_001128168.3); c.892G>T, p.Gly298Trp (NM_001128172.2); c.874G>T, p.Gly292Trp (NM_001128173.3, NM_001324327.2, NM_001324328.2 and 2 more transcripts); short protein forms G277W, G292W, G298W, G313W.
Identifiers: ClinVar variation 3341493 (VCV003341493.1).